The following is an entry in ClinVar:

NM_000179.3(MSH6):c.3209G>T (p.Gly1070Val)

Gene: MSH6 (mutS homolog 6; plus strand). Cytogenetic location: 2p16.3.
Variant type: single nucleotide variant.
Coding change: c.3209G>T on transcript NM_000179.3 (MANE Select); coding-DNA position 3209, G replaced by T.
Protein change: p.Gly1070Val; replaces glycine 1070 with valine.
Molecular consequence: missense variant.
Genome position (GRCh38, 1-based): chr2:47,803,456, G>T. VCF-style: chr2-47803456-G-T. GRCh37 (hg19) VCF-style: chr2-48030595-G-T.
Other names: c.2819G>T, p.Gly940Val (NM_001281492.2); c.2303G>T, p.Gly768Val (NM_001281493.2, NM_001281494.2); short protein forms G768V, G940V, G1070V.
Identifiers: ClinVar variation 1349507 (VCV001349507.8), dbSNP rs751475855, ClinGen allele CA346757916.
Genomic context (GRCh38, chr2:47,803,456, plus strand): 5'-CACTTTTACCCTCTCTTTTAACAGATGTTTTACTGTGCCTGGCTAACTATAGTCGAGGGG[G>T]TGATGGTCCTATGTGTCGCCCAGTAATTCTGTTGCCGGAAGATACCCCCCCCTTCTTAGA-3'
Protein context (NP_000170.1, residues 1060-1080): LLCLANYSRG[Gly1070Val]DGPMCRPVIL

ClinVar aggregate classification (germline): Uncertain significance. Review status: criteria provided, multiple submitters, no conflicts (2 of 4 stars). 2 submissions from 2 submitters: Uncertain significance (2). Last evaluated 2024-01-03.

Conditions:
Hereditary cancer-predisposing syndrome. Also called: Hereditary neoplastic syndrome; Tumor predisposition; Neoplastic Syndromes, Hereditary; Hereditary Cancer Syndrome. Identifiers: Orphanet 140162, MedGen C0027672, MeSH D009386, MONDO:0015356.
Hereditary nonpolyposis colorectal neoplasms. Identifiers: MedGen C0009405, MeSH D003123.

gnomAD v4.1: 3 of 1,614,146 alleles (0.00019%); highest among the groups gnomAD compares: African/African-American, 0.0013%; no homozygotes.

Submissions (2):

Labcorp Genetics (formerly Invitae), Labcorp
Classification: Uncertain significance for Hereditary nonpolyposis colorectal neoplasms. Last evaluated: 2024-01-03. Review status: criteria provided, single submitter. Criteria: Invitae Variant Classification Sherloc (09022015). Collection method: clinical testing. Allele origin: germline.
Comment: This sequence change replaces glycine, which is neutral and non-polar, with valine, which is neutral and non-polar, at codon 1070 of the MSH6 protein (p.Gly1070Val). This variant is not present in population databases (gnomAD no frequency). This variant has not been reported in the literature in individuals affected with MSH6-related conditions. ClinVar contains an entry for this variant (Variation ID: 1349507). Advanced modeling of protein sequence and biophysical properties (such as structural, functional, and spatial information, amino acid conservation, physicochemical variation, residue mobility, and thermodynamic stability) performed at Invitae indicates that this missense variant is not expected to disrupt MSH6 protein function with a negative predictive value of 95%. In summary, the available evidence is currently insufficient to determine the role of this variant in disease. Therefore, it has been classified as a Variant of Uncertain Significance.

Ambry Genetics
Classification: Uncertain significance for Hereditary cancer-predisposing syndrome. Last evaluated: 2022-03-27. Review status: criteria provided, single submitter. Criteria: Ambry Variant Classification Scheme 2023. Collection method: clinical testing. Allele origin: germline.
Comment: The p.G1070V variant (also known as c.3209G>T), located in coding exon 5 of the MSH6 gene, results from a G to T substitution at nucleotide position 3209. The glycine at codon 1070 is replaced by valine, an amino acid with dissimilar properties. This amino acid position is conserved. In addition, the in silico prediction for this alteration is inconclusive. Since supporting evidence is limited at this time, the clinical significance of this alteration remains unclear.